The following is an entry in ClinVar:

ClinVar aggregate classification (germline): Uncertain significance (1 of 4 stars; one submission).

Submission:

GeneDx
Classification: Uncertain significance. Last evaluated: 2026-10-12. Review status: criteria provided, single submitter. Criteria: GeneDx Variant Classification Process June 2021. Collection method: clinical testing. Allele origin: germline.
Comment: Not observed at significant frequency in large population cohorts (gnomAD); In silico analysis supports that this missense variant has a deleterious effect on protein structure/function; Has not been previously published as pathogenic or benign to our knowledge

NM_002578.5(PAK3):c.1546C>A (p.His516Asn)

Gene: PAK3 (p21 (RAC1) activated kinase 3; plus strand). Cytogenetic location: Xq23.
Variant type: single nucleotide variant.
Coding change: c.1546C>A on transcript NM_002578.5 (MANE Select); coding-DNA position 1546, C replaced by A.
Protein change: p.His516Asn; replaces histidine 516 with asparagine.
Molecular consequence: missense variant. On other transcripts: non-coding transcript variant (2).
Genome position (GRCh38, 1-based): chrX:111,220,358, C>A. VCF-style: chrX-111220358-C-A. GRCh37 (hg19) VCF-style: chrX-110463586-C-A.
Other names: c.1546C>A, p.His516Asn (NM_001128166.3, NM_001128167.3, NM_001324325.2 and 5 more transcripts); c.1654C>A, p.His552Asn (NM_001128168.3); c.1609C>A, p.His537Asn (NM_001128172.2); c.1591C>A, p.His531Asn (NM_001128173.3, NM_001324327.2, NM_001324328.2 and 2 more transcripts); short protein forms H516N, H531N, H537N, H552N.
Identifiers: ClinVar variation 4755659 (VCV004755659.2).